The following is an entry in ClinVar:

NM_181808.4(POLN):c.757C>T (p.Arg253Cys)

Gene: POLN (DNA polymerase nu; minus strand). Cytogenetic location: 4p16.3.
Variant type: single nucleotide variant.
Coding change: c.757C>T on transcript NM_181808.4 (MANE Select); coding-DNA position 757, C replaced by T.
Protein change: p.Arg253Cys; replaces arginine 253 with cysteine.
Molecular consequence: missense variant.
Genome position (GRCh38, 1-based): chr4:2,198,675, G>A on the plus strand (C>T on the coding strand, the complement: POLN is on the minus strand). VCF-style: chr4-2198675-G-A. GRCh37 (hg19) VCF-style: chr4-2200402-G-A.
Other names: short protein forms R253C.
Identifiers: ClinVar variation 2654588 (VCV002654588.24), dbSNP rs112454118, ClinGen allele CA2814863.

ClinVar aggregate classification (germline): Likely benign (1 of 4 stars; one submission).

Allele frequency attached by ClinVar (database versions not stated): ExAC 0.00073; TOPMed 0.00237; gnomAD 0.00244; 1000 Genomes Project 0.00300; ESP Exome Variant Server 0.00315; 1000 Genomes Project 30x 0.00359.

Submission:

CeGaT Center for Human Genetics Tuebingen
Classification: Likely benign. Last evaluated: 2022-09-01. Review status: criteria provided, single submitter. Criteria: CeGaT Center For Human Genetics Tuebingen Variant Classification Criteria Version 2. Collection method: clinical testing. Allele origin: germline. Affected: yes. Observed: 1 variant allele.
Comment: POLN: BP4